The following is an entry in ClinVar:

ClinVar aggregate classification (germline): Uncertain significance (1 of 4 stars; one submission).

Submission:

GeneDx
Classification: Uncertain significance. Last evaluated: 2025-01-21. Review status: criteria provided, single submitter. Criteria: GeneDx Variant Classification Process June 2021. Collection method: clinical testing. Allele origin: germline. Affected: yes.
Comment: Not observed at significant frequency in large population cohorts (gnomAD); In silico analysis indicates that this missense variant does not alter protein structure/function; Has not been previously published as pathogenic or benign to our knowledge

NM_005909.5(MAP1B):c.3940G>A (p.Glu1314Lys)

Gene: MAP1B (microtubule associated protein 1B; plus strand). Cytogenetic location: 5q13.2.
Variant type: single nucleotide variant.
Coding change: c.3940G>A on transcript NM_005909.5 (MANE Select); coding-DNA position 3940, G replaced by A.
Protein change: p.Glu1314Lys; replaces glutamic acid 1314 with lysine.
Molecular consequence: missense variant.
Genome position (GRCh38, 1-based): chr5:72,197,295, G>A. VCF-style: chr5-72197295-G-A. GRCh37 (hg19) VCF-style: chr5-71493122-G-A.
Other names: c.3562G>A, p.Glu1188Lys (NM_001324255.2); short protein forms E1188K, E1314K.
Identifiers: ClinVar variation 4070896 (VCV004070896.1).